The following is an entry in ClinVar:

ClinVar aggregate classification (germline): Benign. Review status: criteria provided, multiple submitters, no conflicts (2 of 4 stars). 4 submissions from 4 submitters: Benign (4). Last evaluated 2025-03-04.

Conditions:
Hereditary diffuse gastric adenocarcinoma (HDGC). Also called: DIFFUSE GASTRIC AND LOBULAR BREAST CANCER SYNDROME. Identifiers: Orphanet 26106, MedGen C1708349, MONDO:0007648, OMIM 137215.

Allele frequency attached by ClinVar (database versions not stated): ESP Exome Variant Server 0.00108; gnomAD exomes 0.00323 and 0.01306; gnomAD 0.00620 and 0.00649; TOPMed 0.00816; ExAC 0.01087; 1000 Genomes Project 0.01278; 1000 Genomes Project 30x 0.01296.

Submissions (4):

Center for Genomic Medicine, Rigshospitalet, Copenhagen University Hospital
Classification: Benign. Last evaluated: 2025-03-04. Review status: criteria provided, single submitter. Criteria: ACMG Guidelines, 2015. Collection method: clinical testing. Allele origin: germline.

European Reference Network on Genetic Tumour Risk Syndromes (ERN-GENTURIS), i3s - Instituto de Investigação e Inovação em Saúde, University of Porto
Classification: Benign for Hereditary diffuse gastric adenocarcinoma. Last evaluated: 2022-08-01. Review status: criteria provided, single submitter. Criteria: Lee et al. (Hum Mutat. 2018). Collection method: clinical testing. Allele origin: germline. Inheritance: Autosomal dominant inheritance. Affected: yes. Study: ERN GENTURIS.
Comment: BA1; BS2_Supporting (PMID: 30311375)

GeneDx
Classification: Benign. Last evaluated: 2015-03-03. Review status: criteria provided, single submitter. Criteria: GeneDx Variant Classification Process June 2021. Collection method: clinical testing. Allele origin: germline. Affected: yes.

Breakthrough Genomics
Classification: Benign. Review status: criteria provided, single submitter. Criteria: ACMG Guidelines, 2015. Collection method: not provided. Allele origin: germline. Inheritance: Autosomal dominant inheritance. Affected: yes.

Literature cited by the submitters: PubMed 36436516 (cited by European Reference Network on Genetic Tumour Risk Syndromes (ERN-GENTURIS), i3s - Instituto de Investigação e Inovação em Saúde, University of Porto).

NM_004360.5(CDH1):c.1711+47G>A

Gene: CDH1 (cadherin 1; plus strand). Cytogenetic location: 16q22.1.
Variant type: single nucleotide variant.
Coding change: c.1711+47G>A on transcript NM_004360.5 (MANE Select); 47 bases into the intron after coding-DNA position 1711, G replaced by A.
Molecular consequence: intron variant.
Genome position (GRCh38, 1-based): chr16:68,819,472, G>A. VCF-style: chr16-68819472-G-A. GRCh37 (hg19) VCF-style: chr16-68853375-G-A.
Other names: c.163+47G>A (NM_001317185.2); c.-254-2529G>A (NM_001317186.2); c.1528+47G>A (NM_001317184.2); c.1711+47G>A (NM_004360.4).
Identifiers: ClinVar variation 1236881 (VCV001236881.12), dbSNP rs35667437, ClinGen allele CA8130134.